The following is an entry in ClinVar:

ClinVar aggregate classification (germline): Uncertain significance. Review status: criteria provided, multiple submitters, no conflicts (2 of 4 stars). 2 submissions from 2 submitters: Uncertain significance (2). Last evaluated 2026-03-17.

Conditions:
Landau-Kleffner syndrome (FESD). Also called: APHASIA, ACQUIRED, WITH EPILEPSY; EPILEPSY, FOCAL, WITH SPEECH DISORDER AND WITH OR WITHOUT MENTAL RETARDATION. Identifiers: Orphanet 1945, Orphanet 725, Orphanet 98818, MedGen C0282512, MONDO:0009509, OMIM 245570.

Submissions (2):

GeneDx
Classification: Uncertain significance. Last evaluated: 2026-03-17. Review status: criteria provided, single submitter. Criteria: GeneDx Variant Classification Process June 2021. Collection method: clinical testing. Allele origin: germline.
Comment: Not observed at significant frequency in large population cohorts (gnomAD); In silico analysis suggests that this missense variant does not alter protein structure/function; Has not been previously published as pathogenic or benign to our knowledge

Labcorp Genetics (formerly Invitae), Labcorp
Classification: Uncertain significance for Landau-Kleffner syndrome. Last evaluated: 2021-08-26. Review status: criteria provided, single submitter. Criteria: Invitae Variant Classification Sherloc (09022015). Collection method: clinical testing. Allele origin: germline.

NM_001134407.3(GRIN2A):c.3465T>G (p.Ser1155Arg)

Gene: GRIN2A (glutamate ionotropic receptor NMDA type subunit 2A; minus strand). Cytogenetic location: 16p13.2.
Variant type: single nucleotide variant.
Coding change: c.3465T>G on transcript NM_001134407.3 (MANE Select); coding-DNA position 3465, T replaced by G.
Protein change: p.Ser1155Arg; replaces serine 1155 with arginine.
Molecular consequence: missense variant.
Genome position (GRCh38, 1-based): chr16:9,764,079, A>C on the plus strand (T>G on the coding strand, the complement: GRIN2A is on the minus strand). VCF-style: chr16-9764079-A-C. GRCh37 (hg19) VCF-style: chr16-9857936-A-C.
Other names: c.3465T>G (NM_000833.3); c.3465T>G, p.Ser1155Arg (NM_000833.5, NM_001134408.2); short protein forms S1155R.
Identifiers: ClinVar variation 1059708 (VCV001059708.5), dbSNP rs2141131963, ClinGen allele CA394707672.